The following is an entry in ClinVar:

ClinVar aggregate classification (germline): Uncertain significance (1 of 4 stars; one submission).

Submission:

Women's Health and Genetics/Laboratory Corporation of America, LabCorp
Classification: Uncertain significance. Last evaluated: 2024-01-04. Review status: criteria provided, single submitter. Criteria: LabCorp Variant Classification Summary - May 2015. Collection method: clinical testing. Allele origin: germline.
Comment: Variant summary: ZSWIM6 c.214C>G (p.Gln72Glu) results in a conservative amino acid change in the encoded protein sequence. Five of five in-silico tools predict a benign effect of the variant on protein function. The frequency data for this variant in gnomAD is considered unreliable, as metrics indicate poor data quality at this position. To our knowledge, no occurrence of c.214C>G in individuals affected with ZSWIM6-Related Disorders and no experimental evidence demonstrating its impact on protein function have been reported. No submitters have cited clinical-significance assessments for this variant to ClinVar after 2014. Based on the evidence outlined above, the variant was classified as uncertain significance.

NM_020928.2(ZSWIM6):c.214C>G (p.Gln72Glu)

Gene: ZSWIM6 (zinc finger SWIM-type containing 6; plus strand). Cytogenetic location: 5q12.1.
Variant type: single nucleotide variant.
Coding change: c.214C>G on transcript NM_020928.2 (MANE Select); coding-DNA position 214, C replaced by G.
Protein change: p.Gln72Glu; replaces glutamine 72 with glutamic acid.
Molecular consequence: missense variant.
Genome position (GRCh38, 1-based): chr5:61,332,486, C>G. VCF-style: chr5-61332486-C-G. GRCh37 (hg19) VCF-style: chr5-60628313-C-G.
Other names: short protein forms Q72E.
Identifiers: ClinVar variation 3063770 (VCV003063770.1), dbSNP rs2478706314, ClinGen allele CA359940212.